The following is an entry in ClinVar:

NM_014946.4(SPAST):c.1173G>A (p.Leu391=)

Gene: SPAST (spastin; plus strand). Cytogenetic location: 2p22.3.
Variant type: single nucleotide variant.
Coding change: c.1173G>A on transcript NM_014946.4 (MANE Select); coding-DNA position 1173, G replaced by A.
Protein change: p.Leu391=; no amino-acid change (leucine 391 retained).
Molecular consequence: synonymous variant.
Genome position (GRCh38, 1-based): chr2:32,127,022, G>A. VCF-style: chr2-32127022-G-A. GRCh37 (hg19) VCF-style: chr2-32352091-G-A.
Other names: c.1170G>A, p.Leu390= (NM_001363823.2); c.1074G>A, p.Leu358= (NM_001363875.2); c.1077G>A, p.Leu359= (NM_001377959.1, NM_199436.2).
Identifiers: ClinVar variation 871091 (VCV000871091.50), dbSNP rs1679218212, ClinGen allele CA425446654.

ClinVar aggregate classification (germline): Conflicting classifications of pathogenicity. Review status: criteria provided, conflicting classifications (1 of 4 stars). 4 submissions from 4 submitters: Pathogenic (1); Likely pathogenic (1); Uncertain significance (2). Last evaluated 2022-07-15.

Conditions:
Hereditary spastic paraplegia 4. Also called: Familial spastic paraplegia autosomal dominant 2; Spastic Paraplegia 4; Spastic paraplegia 4, autosomal dominant. Identifiers: Orphanet 100985, MedGen C1866855, MONDO:0008438, OMIM 182601.

Submissions (4):

Labcorp Genetics (formerly Invitae), Labcorp
Classification: Uncertain significance for Hereditary spastic paraplegia 4. Last evaluated: 2022-07-15. Review status: criteria provided, single submitter. Criteria: Invitae Variant Classification Sherloc (09022015). Collection method: clinical testing. Allele origin: germline.
Comment: In summary, the available evidence is currently insufficient to determine the role of this variant in disease. Therefore, it has been classified as a Variant of Uncertain Significance. Variants that disrupt the consensus splice site are a relatively common cause of aberrant splicing (PMID: 17576681, 9536098). Algorithms developed to predict the effect of sequence changes on RNA splicing suggest that this variant may disrupt the consensus splice site. ClinVar contains an entry for this variant (Variation ID: 871091). This variant has not been reported in the literature in individuals affected with SPAST-related conditions. This variant is not present in population databases (gnomAD no frequency). This sequence change affects codon 391 of the SPAST mRNA. It is a 'silent' change, meaning that it does not change the encoded amino acid sequence of the SPAST protein. This variant also falls at the last nucleotide of exon 8, which is part of the consensus splice site for this exon.

Institute of Medical Genetics and Applied Genomics, University Hospital Tübingen
Classification: Likely pathogenic. Last evaluated: 2020-10-23. Review status: criteria provided, single submitter. Criteria: ACMG Guidelines, 2015. Collection method: clinical testing. Allele origin: germline. Inheritance: Unknown mechanism. Affected: yes.

CeGaT Center for Human Genetics Tuebingen
Classification: Uncertain significance. Last evaluated: 2019-07-01. Review status: criteria provided, single submitter. Criteria: CeGaT Center For Human Genetics Tuebingen Variant Classification Criteria Version 2. Collection method: clinical testing. Allele origin: germline. Affected: yes. Observed: 1 variant allele.

Paris Brain Institute, Inserm - ICM
Classification: Pathogenic for Hereditary spastic paraplegia 4. Review status: criteria provided, single submitter. Criteria: ACMG Guidelines, 2015. Collection method: clinical testing. Allele origin: unknown. Affected: yes. Observed: 1 variant allele.

Literature cited by the submitters: PubMed 17576681 (cited by Labcorp Genetics (formerly Invitae), Labcorp); PubMed 9536098 (cited by Labcorp Genetics (formerly Invitae), Labcorp).